The following is an entry in ClinVar:

NM_001039591.3(USP9X):c.1123C>G (p.Pro375Ala)

Gene: USP9X (ubiquitin specific peptidase 9 X-linked; plus strand). Cytogenetic location: Xp11.4.
Variant type: single nucleotide variant.
Coding change: c.1123C>G on transcript NM_001039591.3 (MANE Select); coding-DNA position 1123, C replaced by G.
Protein change: p.Pro375Ala; replaces proline 375 with alanine.
Molecular consequence: missense variant.
Genome position (GRCh38, 1-based): chrX:41,141,393, C>G. VCF-style: chrX-41141393-C-G. GRCh37 (hg19) VCF-style: chrX-41000646-C-G.
Other names: c.1123C>G, p.Pro375Ala (NM_001039590.3, NM_001410748.1, NM_001410749.1); short protein forms P375A.
Identifiers: ClinVar variation 3393710 (VCV003393710.1).

ClinVar aggregate classification (germline): Uncertain significance (1 of 4 stars; one submission).

Submission:

GeneDx
Classification: Uncertain significance. Last evaluated: 2024-07-04. Review status: criteria provided, single submitter. Criteria: GeneDx Variant Classification Process June 2021. Collection method: clinical testing. Allele origin: germline. Affected: yes.
Comment: Not observed at significant frequency in large population cohorts (gnomAD); In silico analysis indicates that this missense variant does not alter protein structure/function; Has not been previously published as pathogenic or benign to our knowledge